The following is an entry in ClinVar:

ClinVar aggregate classification (germline): Uncertain significance. Review status: criteria provided, multiple submitters, no conflicts (2 of 4 stars). 3 submissions from 3 submitters: Uncertain significance (3). Last evaluated 2023-12-17.

Conditions:
Inborn genetic diseases. Identifiers: MedGen C0950123, MeSH D030342.
Nephronophthisis. Also called: Juvenile Nephronophthisis. Identifiers: Orphanet 655, MedGen C0687120, MONDO:0019005, HP:0000090.
Joubert syndrome. Also called: Familial aplasia of the vermis; JOUBERT-BOLTSHAUSER SYNDROME. Identifiers: Orphanet 475, MedGen C5979921, MONDO:0018772.
Meckel-Gruber syndrome. Also called: Dysencephalia splachnocystica; DYSENCEPHALIA SPLANCHNOCYSTICA; GRUBER SYNDROME. Identifiers: Orphanet 564, MedGen C0265215, MONDO:0018921.

Allele frequency attached by ClinVar (database versions not stated): gnomAD 0.00001; gnomAD exomes 0.00001; ExAC 0.00002.
gnomAD v4.1: 14 of 1,563,254 alleles (0.0009%); highest among the groups gnomAD compares: Non-Finnish European, 0.0012%; no homozygotes.

Submissions (3):

Ambry Genetics
Classification: Uncertain significance for Inborn genetic diseases. Last evaluated: 2023-12-17. Review status: criteria provided, single submitter. Criteria: Ambry Variant Classification Scheme 2023. Collection method: clinical testing. Allele origin: germline.

Blueprint Genetics
Classification: Uncertain significance. Last evaluated: 2022-11-25. Review status: criteria provided, single submitter. Criteria: ACMG Guidelines, 2015. Collection method: clinical testing. Allele origin: germline.

Labcorp Genetics (formerly Invitae), Labcorp
Classification: Uncertain significance for Joubert syndrome; Meckel-Gruber syndrome; Nephronophthisis. Last evaluated: 2022-07-18. Review status: criteria provided, single submitter. Criteria: Invitae Variant Classification Sherloc (09022015). Collection method: clinical testing. Allele origin: germline.
Comment: This sequence change replaces leucine, which is neutral and non-polar, with phenylalanine, which is neutral and non-polar, at codon 743 of the CEP290 protein (p.Leu743Phe). This variant is present in population databases (rs751441268, gnomAD 0.002%). This variant has not been reported in the literature in individuals affected with CEP290-related conditions. Algorithms developed to predict the effect of missense changes on protein structure and function are either unavailable or do not agree on the potential impact of this missense change (SIFT: "Deleterious"; PolyPhen-2: "Probably Damaging"; Align-GVGD: "Class C0"). In summary, the available evidence is currently insufficient to determine the role of this variant in disease. Therefore, it has been classified as a Variant of Uncertain Significance.

NM_025114.4(CEP290):c.2227C>T (p.Leu743Phe)

Gene: CEP290 (centrosomal protein 290; minus strand). Cytogenetic location: 12q21.32.
Variant type: single nucleotide variant.
Coding change: c.2227C>T on transcript NM_025114.4 (MANE Select); coding-DNA position 2227, C replaced by T.
Protein change: p.Leu743Phe; replaces leucine 743 with phenylalanine.
Molecular consequence: missense variant.
Genome position (GRCh38, 1-based): chr12:88,111,342, G>A on the plus strand (C>T on the coding strand, the complement: CEP290 is on the minus strand). VCF-style: chr12-88111342-G-A. GRCh37 (hg19) VCF-style: chr12-88505119-G-A.
Other names: c.2227C>T (NM_025114.3); short protein forms L743F.
Identifiers: ClinVar variation 2173814 (VCV002173814.3), dbSNP rs751441268, ClinGen allele CA6712365.